The following is an entry in ClinVar:

ClinVar aggregate classification (germline): Likely benign (1 of 4 stars; one submission).

Allele frequency attached by ClinVar (database versions not stated): gnomAD 0.00513 and 0.00482; 1000 Genomes Project 30x 0.00750; 1000 Genomes Project 0.00679; TOPMed 0.00529.

Submission:

GeneDx
Classification: Likely benign. Last evaluated: 2018-06-19. Review status: criteria provided, single submitter. Criteria: GeneDx Variant Classification (06012015). Collection method: clinical testing. Allele origin: germline. Affected: yes.
Comment: This variant is considered likely benign or benign based on one or more of the following criteria: it is a conservative change, it occurs at a poorly conserved position in the protein, it is predicted to be benign by multiple in silico algorithms, and/or has population frequency not consistent with disease.

NM_005670.3(EPM2A):c.-583C>G

Genes: EPM2A (EPM2A glucan phosphatase, laforin; minus strand), EPM2A-DT (EPM2A divergent transcript; plus strand). Cytogenetic location: 6q24.3.
Variant type: single nucleotide variant.
Coding change: c.-583C>G on transcript NM_005670.3; 583 bases upstream of the start codon, C replaced by G.
Genome position (GRCh38, 1-based): chr6:145,736,081, G>C on the plus strand (C>G on the coding strand, the complement: EPM2A is on the minus strand). VCF-style: chr6-145736081-G-C. GRCh37 (hg19) VCF-style: chr6-146057217-G-C.
Identifiers: ClinVar variation 669575 (VCV000669575.3), dbSNP rs114236668, ClinGen allele CA149195057.